The following is an entry in ClinVar:

ClinVar aggregate classification (germline): Likely benign (0 of 4 stars; one submission).

Conditions:
ASH1L-related disorder. Also called: ASH1L-related condition.

Allele frequency attached by ClinVar (database versions not stated): ESP Exome Variant Server 0.00008; gnomAD 0.00013; 1000 Genomes Project 30x 0.00016; TOPMed 0.00018; 1000 Genomes Project 0.00020.
gnomAD v4.1: 200 of 1,609,714 alleles (0.012%); highest among the groups gnomAD compares: Non-Finnish European, 0.015%; no homozygotes.

Submissions (2):

PreventionGenetics, part of Exact Sciences
Classification: Likely benign for ASH1L-related condition. Last evaluated: 2023-05-11. Review status: no assertion criteria provided. Collection method: clinical testing. Allele origin: germline.
Comment: This variant is classified as likely benign based on ACMG/AMP sequence variant interpretation guidelines (Richards et al. 2015 PMID: 25741868, with internal and published modifications).

Dr. Peter K. Rogan Lab, Western University
No classification provided (evidence only). Condition: Ovarian serous cystadenocarcinoma. Review status: no classification provided. Collection method: in vitro. Allele origin: not applicable. Functional consequence: retained intron. Not counted in ClinVar's aggregate classification.

NM_018489.3(ASH1L):c.6180A>T (p.Leu2060=)

Gene: ASH1L (ASH1 like histone lysine methyltransferase; minus strand). Cytogenetic location: 1q22.
Variant type: single nucleotide variant.
Coding change: c.6180A>T on transcript NM_018489.3 (MANE Select); coding-DNA position 6180, A replaced by T.
Protein change: p.Leu2060=; no amino-acid change (leucine 2060 retained).
Molecular consequence: synonymous variant.
Genome position (GRCh38, 1-based): chr1:155,378,546, T>A on the plus strand (A>T on the coding strand, the complement: ASH1L is on the minus strand). VCF-style: chr1-155378546-T-A. GRCh37 (hg19) VCF-style: chr1-155348337-T-A.
Other names: NC_000001.10:g.155348337T>A; c.6195A>T, p.Leu2065= (NM_001366177.2).
Identifiers: ClinVar variation 3032612 (VCV003032612.3), dbSNP rs139009794, ClinGen allele CA1146394.
Genomic context (GRCh38, chr1:155,378,546, plus strand): 5'-GCTCCTAAGTTACTCACTTGAACGAATTTTCTTATATAGTGGGACATCTGGCTTTTTGTA[T>A]AGCTAGAAGAAAAGAAGAAAAATCTTGATATAGCATTTAACTTCAAATGCCAGACGGCAG-3'
Protein context (NP_060959.2, residues 2050-2070): DILWQWKHNQ[Leu2060=]YKKPDVPLYK